The following is an entry in ClinVar:

ClinVar aggregate classification (germline): Pathogenic (1 of 4 stars; one submission).

Conditions:
Mucopolysaccharidosis, MPS-III-B (MPS3B). Also called: MUCOPOLYSACCHARIDOSIS, TYPE IIIB; Mucopolysaccharidosis type IIIB (Sanfilippo B); N-ACETYL-ALPHA-D-GLUCOSAMINIDASE DEFICIENCY; NAGLU DEFICIENCY; SANFILIPPO SYNDROME B; MPS III B. Identifiers: Orphanet 79270, MedGen C0086648, MONDO:0009656, OMIM 252920.

Submission:

Foundation for Research in Genetics and Endocrinology, FRIGE's Institute of Human Genetics
Classification: Pathogenic for Mucopolysaccharidosis, MPS-III-B. Last evaluated: 2022-07-25. Review status: criteria provided, single submitter. Criteria: ACMG Guidelines, 2015. Collection method: clinical testing. Allele origin: germline. Inheritance: Autosomal recessive inheritance. Affected: yes. Observed: 1 heterozygote.
Comment: A homozygous nonsense variation in exon 10 of the NAGLU gene that results in the amino acid. The observed variant c.814_820dup (p.Ser274Ter) has not been reported in the 1000 genomes and has a MAF of 0.007% in the gnomAD databases. The in silico prediction of the variant is by MutationTaster2. The reference codon is conserved across species. In summary, the variant meets our criteria to be classified as a variant of uncertain significance.

NM_000263.4(NAGLU):c.814_820dup (p.Ser274Ter)

Gene: NAGLU (N-acetyl-alpha-glucosaminidase; plus strand). Cytogenetic location: 17q21.2.
Variant type: Duplication.
Coding change: c.814_820dup on transcript NM_000263.4 (MANE Select); coding-DNA positions 814 to 820, 7 bases duplicated (AACTGTT; older notation c.814_820dupAACTGTT).
Protein change: p.Ser274Ter; replaces serine 274 with a stop codon.
Molecular consequence: nonsense.
Genome position (GRCh38, 1-based): chr17:42,540,999-42,541,005, AACTGTT duplicated; duplicating any 7 consecutive bases within chr17:42,540,997-42,541,005 gives the same sequence; the c. name uses the placement nearest the transcript's 3' end. VCF-style (leftmost placement, unchanged base first): chr17-42540996-T-TTTAACTG. GRCh37 (hg19) VCF-style: chr17-40693014-T-TTTAACTG.
Other names: p.Ser274Ter; short protein forms S274*.
Identifiers: ClinVar variation 1710496 (VCV001710496.3), dbSNP rs2510656344, ClinGen allele CA2580093999.
Genomic context (GRCh38, chr17:42,540,996, plus strand): 5'-TTGCTCCCCACTAGGGTGTTCCCTCAGGTCAATGTCACGAAGATGGGCAGTTGGGGCCAC[T>TTTAACTG]TTAACTGTTCCTACTCCTGCTCCTTCCTTCTGGCTCCGGAAGACCCCATATTCCCCATCA-3'